The following is an entry in ClinVar:

ClinVar aggregate classification (germline): Uncertain significance (1 of 4 stars; one submission).

Conditions:
Hemochromatosis type 4 (HFE4). Also called: Ferroportin disease; HEMOCHROMATOSIS DUE TO DEFECT IN FERROPORTIN; HEMOCHROMATOSIS, AUTOSOMAL DOMINANT. Identifiers: Orphanet 139491, Orphanet 647834, Orphanet 648562, MedGen C1853733, MONDO:0011631, OMIM 606069.

Submission:

Labcorp Genetics (formerly Invitae), Labcorp
Classification: Uncertain significance for Hemochromatosis type 4. Last evaluated: 2026-01-01. Review status: criteria provided, single submitter. Criteria: Invitae Variant Classification Sherloc (09022015). Collection method: clinical testing. Allele origin: germline.
Comment: This sequence change replaces proline, which is neutral and non-polar, with serine, which is neutral and polar, at codon 397 of the SLC40A1 protein (p.Pro397Ser). This variant is not present in population databases (gnomAD no frequency). This variant has not been reported in the literature in individuals affected with SLC40A1-related conditions. Invitae Evidence Modeling of protein sequence and biophysical properties (such as structural, functional, and spatial information, amino acid conservation, physicochemical variation, residue mobility, and thermodynamic stability) has been performed for this missense variant. However, the output from this modeling did not meet the statistical confidence thresholds required to predict the impact of this variant on SLC40A1 protein function. In summary, the available evidence is currently insufficient to determine the role of this variant in disease. Therefore, it has been classified as a Variant of Uncertain Significance.

NM_014585.6(SLC40A1):c.1189C>T (p.Pro397Ser)

Gene: SLC40A1 (solute carrier family 40 member 1; minus strand). Cytogenetic location: 2q32.2.
Variant type: single nucleotide variant.
Coding change: c.1189C>T on transcript NM_014585.6 (MANE Select); coding-DNA position 1189, C replaced by T.
Protein change: p.Pro397Ser; replaces proline 397 with serine.
Molecular consequence: missense variant.
Genome position (GRCh38, 1-based): chr2:189,563,797, G>A on the plus strand (C>T on the coding strand, the complement: SLC40A1 is on the minus strand). VCF-style: chr2-189563797-G-A. GRCh37 (hg19) VCF-style: chr2-190428523-G-A.
Other names: short protein forms P397S.
Identifiers: ClinVar variation 4781765 (VCV004781765.1).